The following is an entry in ClinVar:

NM_002087.4(GRN):c.1355T>A (p.Val452Glu)

Gene: GRN (granulin precursor; plus strand). Cytogenetic location: 17q21.31.
Variant type: single nucleotide variant.
Coding change: c.1355T>A on transcript NM_002087.4 (MANE Select); coding-DNA position 1355, T replaced by A.
Protein change: p.Val452Glu; replaces valine 452 with glutamic acid.
Molecular consequence: missense variant.
Genome position (GRCh38, 1-based): chr17:44,352,190, T>A. VCF-style: chr17-44352190-T-A. GRCh37 (hg19) VCF-style: chr17-42429558-T-A.
Other names: short protein forms V452E.
Identifiers: ClinVar variation 1410618 (VCV001410618.8), dbSNP rs759134554, ClinGen allele CA8602179.

ClinVar aggregate classification (germline): Uncertain significance (1 of 4 stars; one submission).

Conditions:
GRN-related frontotemporal lobar degeneration with Tdp43 inclusions (FTD2). Also called: DEMENTIA, HEREDITARY DYSPHASIC DISINHIBITION; FRONTOTEMPORAL LOBAR DEGENERATION WITH UBIQUITIN-POSITIVE INCLUSIONS; FTLD-TDP, GRN-RELATED; GRN Frontotemporal Dementia; FRONTOTEMPORAL DEMENTIA WITH TDP43 INCLUSIONS, GRN-RELATED. Identifiers: Orphanet 100070, Orphanet 282, MedGen C1843792, MONDO:0011842, OMIM 607485. Disease mechanism: loss of function.
Neuronal ceroid lipofuscinosis 11. Also called: GRN-Related Neuronal Ceroid-Lipofuscinosis. Identifiers: Orphanet 314629, Orphanet 79262, MedGen C3539123, MONDO:0013866, OMIM 614706.

gnomAD v4.1: 24 of 1,613,348 alleles (0.0015%); highest among the groups gnomAD compares: Non-Finnish European, 0.0019%; no homozygotes.

Submission:

Labcorp Genetics (formerly Invitae), Labcorp
Classification: Uncertain significance for Neuronal ceroid lipofuscinosis 11; GRN-related frontotemporal lobar degeneration with Tdp43 inclusions. Last evaluated: 2023-06-04. Review status: criteria provided, single submitter. Criteria: Invitae Variant Classification Sherloc (09022015). Collection method: clinical testing. Allele origin: germline.
Comment: In summary, the available evidence is currently insufficient to determine the role of this variant in disease. Therefore, it has been classified as a Variant of Uncertain Significance. Algorithms developed to predict the effect of sequence changes on RNA splicing suggest that this variant may disrupt the consensus splice site. Advanced modeling of protein sequence and biophysical properties (such as structural, functional, and spatial information, amino acid conservation, physicochemical variation, residue mobility, and thermodynamic stability) performed at Invitae indicates that this missense variant is not expected to disrupt GRN protein function. ClinVar contains an entry for this variant (Variation ID: 1410618). This variant has not been reported in the literature in individuals affected with GRN-related conditions. This variant is present in population databases (rs759134554, gnomAD 0.008%). This sequence change replaces valine, which is neutral and non-polar, with glutamic acid, which is acidic and polar, at codon 452 of the GRN protein (p.Val452Glu).